The following is an entry in ClinVar:

NM_001267550.2(TTN):c.30803-15C>T

Gene: TTN (titin; minus strand). Cytogenetic location: 2q31.2.
Variant type: single nucleotide variant.
Coding change: c.30803-15C>T on transcript NM_001267550.2 (MANE Select); 15 bases into the intron before coding-DNA position 30803, C replaced by T.
Molecular consequence: intron variant.
Genome position (GRCh38, 1-based): chr2:178,696,284, G>A on the plus strand (C>T on the coding strand, the complement: TTN is on the minus strand). VCF-style: chr2-178696284-G-A. GRCh37 (hg19) VCF-style: chr2-179561011-G-A.
Other names: c.13282+41798C>T (NM_003319.4); c.13858+41798C>T (NM_133437.4); c.13657+41798C>T (NM_133432.3); c.27071-15C>T (NM_133378.4); c.29852-15C>T (NM_001256850.1).
Identifiers: ClinVar variation 46843 (VCV000046843.6), dbSNP rs397517535, ClinGen allele CA139338.

ClinVar aggregate classification (germline): Conflicting classifications of pathogenicity. Review status: criteria provided, conflicting classifications (1 of 4 stars). 2 submissions from 2 submitters: Uncertain significance (1); Likely benign (1). Last evaluated 2025-11-22.

Conditions:
Dilated cardiomyopathy 1G (CMD1G). Identifiers: Orphanet 154, MedGen C1858763, MONDO:0011400, OMIM 604145.
Autosomal recessive limb-girdle muscular dystrophy type 2J (LGMDR10). Also called: Limb-girdle muscular dystrophy, type 2J; MUSCULAR DYSTROPHY, LIMB-GIRDLE, AUTOSOMAL RECESSIVE 10. Identifiers: Orphanet 140922, MedGen C1837342, MONDO:0012127, OMIM 608807.

Allele frequency attached by ClinVar (database versions not stated): gnomAD exomes below 0.00001; gnomAD 0.00001; ExAC 0.00006; 1000 Genomes Project 30x 0.00016.
gnomAD v4.1: 6 of 1,500,674 alleles (0.0004%); highest among the groups gnomAD compares: Middle Eastern, 0.054%; no homozygotes.

Submissions (2):

Labcorp Genetics (formerly Invitae), Labcorp
Classification: Likely benign for Dilated cardiomyopathy 1G; Autosomal recessive limb-girdle muscular dystrophy type 2J. Last evaluated: 2025-11-22. Review status: criteria provided, single submitter. Criteria: Invitae Variant Classification Sherloc (09022015). Collection method: clinical testing. Allele origin: germline.

Laboratory for Molecular Medicine, Mass General Brigham Personalized Medicine
Classification: Uncertain significance. Last evaluated: 2012-04-11. Review status: criteria provided, single submitter. Criteria: LMM Criteria. Collection method: clinical testing. Allele origin: germline. Observed: 1 variant allele.
Comment: Variant classified as Uncertain Significance - Favor Benign. The 27071-15C>T var iant (TTN) has not been reported in the literature nor previously identified by our laboratory. This variant is located in the 3' splice region. Computational tools do not predict altered splicing. However, this information is not predicti ve enough to rule out pathogenicity. Additional studies are needed to fully asse ss its clinical significance.